The following is an entry in ClinVar:

NM_006755.2(TALDO1):c.924C>T (p.Leu308=)

Gene: TALDO1 (transaldolase 1; plus strand). Cytogenetic location: 11p15.5.
Variant type: single nucleotide variant.
Coding change: c.924C>T on transcript NM_006755.2 (MANE Select); coding-DNA position 924, C replaced by T.
Protein change: p.Leu308=; no amino-acid change (leucine 308 retained).
Molecular consequence: synonymous variant.
Genome position (GRCh38, 1-based): chr11:764,376, C>T. VCF-style: chr11-764376-C-T. GRCh37 (hg19) VCF-style: chr11-764376-C-T.
Identifiers: ClinVar variation 4990139 (VCV004990139.1).

ClinVar aggregate classification (germline): Likely benign (1 of 4 stars; one submission).

Conditions:
TALDO1-related disorder. Also called: TALDO1-related condition.

gnomAD v4.1: 2 of 1,613,970 alleles (0.00012%); highest among the groups gnomAD compares: Non-Finnish European, 0.00017%; no homozygotes.

Submission:

PreventionGenetics, part of Exact Sciences
Classification: Likely benign for TALDO1-related condition. Last evaluated: 2026-06-02. Review status: criteria provided, single submitter. Criteria: ACMG Guidelines, 2015. Collection method: clinical testing. Allele origin: germline.
Comment: This variant is classified as likely benign based on ACMG/AMP sequence variant interpretation guidelines (Richards et al. 2015 PMID: 25741868, with internal and published modifications).